The following is an entry in ClinVar:

ClinVar aggregate classification (germline): Uncertain significance (1 of 4 stars; one submission).

Conditions:
Hereditary nonpolyposis colorectal neoplasms. Identifiers: MedGen C0009405, MeSH D003123.

Submission:

Labcorp Genetics (formerly Invitae), Labcorp
Classification: Uncertain significance for Hereditary nonpolyposis colorectal neoplasms. Last evaluated: 2024-05-09. Review status: criteria provided, single submitter. Criteria: Invitae Variant Classification Sherloc (09022015). Collection method: clinical testing. Allele origin: germline.
Comment: This sequence change replaces serine, which is neutral and polar, with glycine, which is neutral and non-polar, at codon 669 of the PMS2 protein (p.Ser669Gly). This variant is not present in population databases (gnomAD no frequency). This variant has not been reported in the literature in individuals affected with PMS2-related conditions. An algorithm developed to predict the effect of missense changes on protein structure and function (PolyPhen-2) suggests that this variant is likely to be disruptive. Algorithms developed to predict the effect of sequence changes on RNA splicing suggest that this variant may disrupt the consensus splice site. In summary, the available evidence is currently insufficient to determine the role of this variant in disease. Therefore, it has been classified as a Variant of Uncertain Significance.

NM_000535.7(PMS2):c.2005A>G (p.Ser669Gly)

Gene: PMS2 (PMS1 homolog 2, mismatch repair system component; minus strand). Cytogenetic location: 7p22.1.
Variant type: single nucleotide variant.
Coding change: c.2005A>G on transcript NM_000535.7 (MANE Select); coding-DNA position 2005, A replaced by G.
Protein change: p.Ser669Gly; replaces serine 669 with glycine.
Molecular consequence: missense variant. On other transcripts: non-coding transcript variant (1), intron variant (1).
Genome position (GRCh38, 1-based): chr7:5,986,760, T>C on the plus strand (A>G on the coding strand, the complement: PMS2 is on the minus strand). VCF-style: chr7-5986760-T-C. GRCh37 (hg19) VCF-style: chr7-6026391-T-C.
Other names: c.1669A>G, p.Ser557Gly (NM_001406885.1); c.1639A>G, p.Ser547Gly (NM_001406886.1); c.1600A>G, p.Ser534Gly (NM_001406887.1, NM_001406888.1, NM_001406889.1 and 15 more transcripts); c.1492A>G, p.Ser498Gly (NM_001406904.1, NM_001406905.1); c.1444A>G, p.Ser482Gly (NM_001406906.1, NM_001406907.1, NM_001322010.2); c.1600A>G, p.Arg534Gly (NM_001406908.1); c.1432A>G, p.Ser478Gly (NM_001406909.1, NM_001322013.2); c.1234A>G, p.Ser412Gly (NM_001406911.1); and 16 more; short protein forms S498G, S547G, S617G, R534G, S478G, S482G, S511G, S557G.
Identifiers: ClinVar variation 3652792 (VCV003652792.2).